The following is an entry in ClinVar:

ClinVar aggregate classification (germline): Uncertain significance (1 of 4 stars; one submission).

Conditions:
Cardiovascular phenotype. Identifiers: MedGen CN230736.
Hereditary cancer-predisposing syndrome. Also called: Hereditary Cancer Syndrome; Hereditary neoplastic syndrome; Neoplastic Syndromes, Hereditary; Tumor predisposition. Identifiers: Orphanet 140162, MedGen C0027672, MeSH D009386, MONDO:0015356.

Submission:

Ambry Genetics
Classification: Uncertain significance for Cardiovascular phenotype; Hereditary cancer-predisposing syndrome. Last evaluated: 2022-09-28. Review status: criteria provided, single submitter. Criteria: Ambry Variant Classification Scheme 2023. Collection method: clinical testing. Allele origin: germline.
Comment: The p.A465P variant (also known as c.1393G>C), located in coding exon 13 of the LZTR1 gene, results from a G to C substitution at nucleotide position 1393. The alanine at codon 465 is replaced by proline, an amino acid with highly similar properties. This amino acid position is conserved. In addition, this alteration is predicted to be deleterious by in silico analysis. Since supporting evidence is limited at this time, the clinical significance of this alteration remains unclear.

NM_006767.4(LZTR1):c.1393G>C (p.Ala465Pro)

Gene: LZTR1 (leucine zipper like post translational regulator 1; plus strand). Cytogenetic location: 22q11.21.
Variant type: single nucleotide variant.
Coding change: c.1393G>C on transcript NM_006767.4 (MANE Select); coding-DNA position 1393, G replaced by C.
Protein change: p.Ala465Pro; replaces alanine 465 with proline.
Molecular consequence: missense variant.
Genome position (GRCh38, 1-based): chr22:20,993,963, G>C. VCF-style: chr22-20993963-G-C. GRCh37 (hg19) VCF-style: chr22-21348252-G-C.
Other names: short protein forms A465P.
Identifiers: ClinVar variation 1771584 (VCV001771584.2), dbSNP rs2147967038, ClinGen allele CA410775141.